The following is an entry in ClinVar:

NM_004168.4(SDHA):c.1424G>T (p.Cys475Phe)

Gene: SDHA (succinate dehydrogenase complex flavoprotein subunit A; plus strand). Cytogenetic location: 5p15.33.
Variant type: single nucleotide variant.
Coding change: c.1424G>T on transcript NM_004168.4 (MANE Select); coding-DNA position 1424, G replaced by T.
Protein change: p.Cys475Phe; replaces cysteine 475 with phenylalanine.
Molecular consequence: missense variant.
Genome position (GRCh38, 1-based): chr5:236,591, G>T. VCF-style: chr5-236591-G-T. GRCh37 (hg19) VCF-style: chr5-236706-G-T.
Other names: c.1280G>T, p.Cys427Phe (NM_001294332.2); c.1424G>T, p.Cys475Phe (NM_001330758.2); short protein forms C427F, C475F.
Identifiers: ClinVar variation 2946317 (VCV002946317.3), dbSNP rs748567636, ClinGen allele CA359014127.

ClinVar aggregate classification (germline): Uncertain significance (1 of 4 stars; one submission).

Conditions:
Mitochondrial complex II deficiency, nuclear type 1. Also called: SUCCINATE CoQ REDUCTASE DEFICIENCY. Identifiers: Orphanet 3208, MedGen C5700310, MONDO:0100294, OMIM 252011.
Pheochromocytoma/paraganglioma syndrome 5. Also called: Paragangliomas 5; SDHA-Related Hereditary Paraganglioma-Pheochromocytoma Syndrome. Identifiers: Orphanet 29072, MedGen C3279992, MONDO:0013602, OMIM 614165.

gnomAD v4.1: 4 of 1,613,986 alleles (0.00025%); highest among the groups gnomAD compares: Non-Finnish European, 0.00034%; no homozygotes.

Submission:

Labcorp Genetics (formerly Invitae), Labcorp
Classification: Uncertain significance for Pheochromocytoma/paraganglioma syndrome 5; Mitochondrial complex II deficiency, nuclear type 1. Last evaluated: 2023-12-21. Review status: criteria provided, single submitter. Criteria: Invitae Variant Classification Sherloc (09022015). Collection method: clinical testing. Allele origin: germline.
Comment: This sequence change replaces cysteine, which is neutral and slightly polar, with phenylalanine, which is neutral and non-polar, at codon 475 of the SDHA protein (p.Cys475Phe). This variant is not present in population databases (gnomAD no frequency). This variant has not been reported in the literature in individuals affected with SDHA-related conditions. Advanced modeling of protein sequence and biophysical properties (such as structural, functional, and spatial information, amino acid conservation, physicochemical variation, residue mobility, and thermodynamic stability) performed at Invitae indicates that this missense variant is not expected to disrupt SDHA protein function with a negative predictive value of 95%. In summary, the available evidence is currently insufficient to determine the role of this variant in disease. Therefore, it has been classified as a Variant of Uncertain Significance.